The following is an entry in ClinVar:

ClinVar aggregate classification (germline): Uncertain significance. Review status: criteria provided, multiple submitters, no conflicts (2 of 4 stars). 3 submissions from 3 submitters: Uncertain significance (3). Last evaluated 2025-12-24.

Allele frequency attached by ClinVar (database versions not stated): ExAC 0.00001; gnomAD exomes 0.00002 and 0.00005; TOPMed 0.00002.

Submissions (3):

Labcorp Genetics (formerly Invitae), Labcorp
Classification: Uncertain significance. Last evaluated: 2025-12-24. Review status: criteria provided, single submitter. Criteria: Invitae Variant Classification Sherloc (09022015). Collection method: clinical testing. Allele origin: germline.
Comment: This sequence change replaces methionine, which is neutral and non-polar, with valine, which is neutral and non-polar, at codon 1257 of the CACNA1D protein (p.Met1257Val). This variant is present in population databases (rs767083533, gnomAD 0.005%). This variant has not been reported in the literature in individuals affected with CACNA1D-related conditions. ClinVar contains an entry for this variant (Variation ID: 517201). Invitae Evidence Modeling of protein sequence and biophysical properties (such as structural, functional, and spatial information, amino acid conservation, physicochemical variation, residue mobility, and thermodynamic stability) indicates that this missense variant is not expected to disrupt CACNA1D protein function with a negative predictive value of 80%. In summary, the available evidence is currently insufficient to determine the role of this variant in disease. Therefore, it has been classified as a Variant of Uncertain Significance.

GeneDx
Classification: Uncertain significance. Last evaluated: 2025-02-05. Review status: criteria provided, single submitter. Criteria: GeneDx Variant Classification Process June 2021. Collection method: clinical testing. Allele origin: germline. Affected: yes.
Comment: In silico analysis supports that this missense variant has a deleterious effect on protein structure/function; Has not been previously published as pathogenic or benign to our knowledge

Laboratory for Molecular Medicine, Mass General Brigham Personalized Medicine
Classification: Uncertain significance. Last evaluated: 2017-01-24. Review status: criteria provided, single submitter. Criteria: LMM Criteria. Collection method: clinical testing. Allele origin: germline. Observed: 1 variant allele.
Comment: The p.Met1257Val variant in CACNA1D has not been previously reported in individu als with hearing loss, but has been identified in 1/66734 European chromosomes b y the Exome Aggregation Consortium (ExAC; dbSNP rs767083533). Although this variant has been seen in the general population, its frequency is not high enough to rule out a pathogenic role. Computational predi ction tools and conservation analyses suggest that this variant may impact the p rotein, though this information is not predictive enough to determine pathogenic ity. In summary, the clinical significance of the p.Met1257Val is uncertain.

NM_001128840.3(CACNA1D):c.3709A>G (p.Met1237Val)

Gene: CACNA1D (calcium voltage-gated channel subunit alpha1 D; plus strand). Cytogenetic location: 3p21.1.
Variant type: single nucleotide variant.
Coding change: c.3709A>G on transcript NM_001128840.3 (MANE Select); coding-DNA position 3709, A replaced by G.
Protein change: p.Met1237Val; replaces methionine 1237 with valine.
Molecular consequence: missense variant.
Genome position (GRCh38, 1-based): chr3:53,753,605, A>G. VCF-style: chr3-53753605-A-G. GRCh37 (hg19) VCF-style: chr3-53787632-A-G.
Other names: c.3769A>G, p.Met1257Val (NM_000720.4); c.3709A>G, p.Met1237Val (NM_001128839.3); short protein forms M1257V, M1237V.
Identifiers: ClinVar variation 517201 (VCV000517201.9), dbSNP rs767083533, ClinGen allele CA2454655.